The following is an entry in ClinVar:

NM_001378609.3(OTOGL):c.5869G>A (p.Val1957Ile)

Gene: OTOGL (otogelin like; plus strand). Cytogenetic location: 12q21.31.
Variant type: single nucleotide variant.
Coding change: c.5869G>A on transcript NM_001378609.3 (MANE Select); coding-DNA position 5869, G replaced by A.
Protein change: p.Val1957Ile; replaces valine 1957 with isoleucine.
Molecular consequence: missense variant.
Genome position (GRCh38, 1-based): chr12:80,356,478, G>A. VCF-style: chr12-80356478-G-A. GRCh37 (hg19) VCF-style: chr12-80750258-G-A.
Other names: c.5734G>A, p.Val1912Ile (NM_001368062.3); c.5869G>A, p.Val1957Ile (NM_001378610.3, NM_173591.7); short protein forms V1912I, V1957I.
Identifiers: ClinVar variation 3367249 (VCV003367249.1).

ClinVar aggregate classification (germline): Uncertain significance (1 of 4 stars; one submission).

gnomAD v4.1: 5 of 1,612,048 alleles (0.00031%); highest among the groups gnomAD compares: African/African-American, 0.0053%; no homozygotes.

Submission:

GeneDx
Classification: Uncertain significance. Last evaluated: 2024-01-05. Review status: criteria provided, single submitter. Criteria: GeneDx Variant Classification Process June 2021. Collection method: clinical testing. Allele origin: germline. Affected: yes.
Comment: Not observed at significant frequency in large population cohorts (gnomAD); In silico analysis supports that this missense variant does not alter protein structure/function; Has not been previously published as pathogenic or benign to our knowledge